The following is an entry in ClinVar:

NM_000059.4(BRCA2):c.7547C>G (p.Ser2516Cys)

Gene: BRCA2 (BRCA2 DNA repair associated; plus strand). Cytogenetic location: 13q13.1.
Variant type: single nucleotide variant.
Coding change: c.7547C>G on transcript NM_000059.4 (MANE Select); coding-DNA position 7547, C replaced by G.
Protein change: p.Ser2516Cys; replaces serine 2516 with cysteine.
Molecular consequence: missense variant.
Genome position (GRCh38, 1-based): chr13:32,356,539, C>G. VCF-style: chr13-32356539-C-G. GRCh37 (hg19) VCF-style: chr13-32930676-C-G.
Other names: short protein forms S2516C.
Identifiers: ClinVar variation 233196 (VCV000233196.19), dbSNP rs571800995, ClinGen allele CA10577492.

ClinVar aggregate classification (germline): Conflicting classifications of pathogenicity. Review status: criteria provided, conflicting classifications (1 of 4 stars). 4 submissions from 4 submitters: Uncertain significance (3); Likely benign (1). Last evaluated 2026-01-28.

Conditions:
Hereditary cancer-predisposing syndrome. Also called: Neoplastic Syndromes, Hereditary; Tumor predisposition; Hereditary Cancer Syndrome; Hereditary neoplastic syndrome. Identifiers: Orphanet 140162, MedGen C0027672, MeSH D009386, MONDO:0015356.
Hereditary breast ovarian cancer syndrome. Also called: Hereditary breast and ovarian cancer syndrome; BRCA1- and BRCA2-Associated Hereditary Breast and Ovarian Cancer; Breast and ovarian cancer; Hereditary breast and/or ovarian cancer syndrome; Hereditary breast and ovarian cancer; Hereditary breast and ovarian cancer syndrome (HBOC). Identifiers: Orphanet 145, MedGen C0677776, MeSH D061325, MONDO:0003582. Disease mechanism: loss of function.

Submissions (4):

Labcorp Genetics (formerly Invitae), Labcorp
Classification: Uncertain significance for Hereditary breast ovarian cancer syndrome. Last evaluated: 2026-01-28. Review status: criteria provided, single submitter. Criteria: Invitae Variant Classification Sherloc (09022015). Collection method: clinical testing. Allele origin: germline.
Comment: This sequence change replaces serine, which is neutral and polar, with cysteine, which is neutral and slightly polar, at codon 2516 of the BRCA2 protein (p.Ser2516Cys). This variant is not present in population databases (gnomAD no frequency). This variant has not been reported in the literature in individuals affected with BRCA2-related conditions. ClinVar contains an entry for this variant (Variation ID: 233196). Invitae Evidence Modeling of protein sequence and biophysical properties (such as structural, functional, and spatial information, amino acid conservation, physicochemical variation, residue mobility, and thermodynamic stability) indicates that this missense variant is not expected to disrupt BRCA2 protein function with a negative predictive value of 95%. In summary, the available evidence is currently insufficient to determine the role of this variant in disease. Therefore, it has been classified as a Variant of Uncertain Significance.

Ambry Genetics
Classification: Likely benign for Hereditary cancer-predisposing syndrome. Last evaluated: 2022-01-03. Review status: criteria provided, single submitter. Criteria: Ambry Variant Classification Scheme 2023. Collection method: clinical testing. Allele origin: germline.

Color Diagnostics, LLC DBA Color Health
Classification: Uncertain significance for Hereditary cancer-predisposing syndrome. Last evaluated: 2019-10-02. Review status: criteria provided, single submitter. Criteria: ACMG Guidelines, 2015. Collection method: clinical testing. Allele origin: germline.
Comment: This missense variant replaces serine with cysteine at codon 2516 of the BRCA2 protein. Computational prediction is inconclusive regarding the impact of this variant on protein structure and function (internally defined REVEL score threshold 0.5 < inconclusive < 0.7, PMID: 27666373). Splice site prediction tools suggest that this variant may not impact RNA splicing. The functional study has shown this variant can complement loss of BRCA2 in cells, and it had 87% of the homology DNA repair capacity relative to wild type (PMID: 29988080). This variant has not been reported in individuals affected with hereditary cancer in the literature. This variant has not been identified in the general population by the Genome Aggregation Database (gnomAD). The available evidence is insufficient to determine the role of this variant in disease conclusively. Therefore, this variant is classified as a Variant of Uncertain Significance.

GeneDx
Classification: Uncertain significance. Last evaluated: 2015-10-26. Review status: criteria provided, single submitter. Criteria: GeneDx Variant Classification (06012015). Collection method: clinical testing. Allele origin: germline. Affected: yes.
Comment: This variant is denoted BRCA2 c.7547C>G at the cDNA level and p.Ser2516Cys (S2516C) at the protein level, and results in the change of a Serine to a Cysteine (TCC>TGC). Using alternate nomenclature, this variant would be defined as BRCA2 7775C>G. This variant has not, to our knowledge, been published in the literature as either pathogenic or benign. This variant has not been observed in approximately 6,500 individuals of European and African American ancestry in the NHLBI Exome Sequencing Project, suggesting it is not a common benign variant in these populations. Since Serine and Cysteine differ in polarity, charge, size or other properties, this is considered a non-conservative amino acid substitution. BRCA2 Ser2516Cys occurs at a position that is conserved across species and is located within the DNA binding domain (Borg 2010). In silico analyses predict that this variant is probably damaging to protein structure and function. Based on currently available information, it is unclear whether BRCA2 Ser2516Cys is a pathogenic or benign variant. We consider it to be a variant of uncertain significance.

Literature cited by the submitters: PubMed 29988080 (cited by Ambry Genetics); PubMed 32444794 (cited by Ambry Genetics).